The following is an entry in ClinVar:

ClinVar aggregate classification (germline): Conflicting classifications of pathogenicity. Review status: criteria provided, conflicting classifications (1 of 4 stars). 4 submissions from 4 submitters: Uncertain significance (1); Likely benign (3). Last evaluated 2025-10-01.

Conditions:
MYH14-related disorder. Also called: MYH14-related condition.
Inborn genetic diseases. Identifiers: MedGen C0950123, MeSH D030342.

Allele frequency attached by ClinVar (database versions not stated): gnomAD 0.00007 and 0.00009; ESP Exome Variant Server 0.00008; 1000 Genomes Project 30x 0.00031; 1000 Genomes Project 0.00040.
gnomAD v4.1: 77 of 1,612,470 alleles (0.0048%); highest among the groups gnomAD compares: South Asian, 0.031%; no homozygotes.

Submissions (4):

CeGaT Center for Human Genetics Tuebingen
Classification: Likely benign. Last evaluated: 2025-10-01. Review status: criteria provided, single submitter. Criteria: CeGaT Center For Human Genetics Tuebingen Variant Classification Criteria Version 2. Collection method: clinical testing. Allele origin: germline. Affected: yes. Observed: 1 variant allele.
Comment: MYH14: BS2

PreventionGenetics, part of Exact Sciences
Classification: Likely benign for MYH14-related condition. Last evaluated: 2025-02-12. Review status: criteria provided, single submitter. Criteria: ACMG Guidelines, 2015. Collection method: clinical testing. Allele origin: germline.
Comment: This variant is classified as likely benign based on ACMG/AMP sequence variant interpretation guidelines (Richards et al. 2015 PMID: 25741868, with internal and published modifications).

Ambry Genetics
Classification: Uncertain significance for Inborn genetic diseases. Last evaluated: 2024-04-04. Review status: criteria provided, single submitter. Criteria: Ambry Variant Classification Scheme 2023. Collection method: clinical testing. Allele origin: germline.

Labcorp Genetics (formerly Invitae), Labcorp
Classification: Likely benign. Last evaluated: 2024-03-01. Review status: criteria provided, single submitter. Criteria: Invitae Variant Classification Sherloc (09022015). Collection method: clinical testing. Allele origin: germline.

NM_001145809.2(MYH14):c.4922G>A (p.Arg1641His)

Gene: MYH14 (myosin heavy chain 14; plus strand). Cytogenetic location: 19q13.33.
Variant type: single nucleotide variant.
Coding change: c.4922G>A on transcript NM_001145809.2 (MANE Select); coding-DNA position 4922, G replaced by A.
Protein change: p.Arg1641His; replaces arginine 1641 with histidine.
Molecular consequence: missense variant.
Genome position (GRCh38, 1-based): chr19:50,289,605, G>A. VCF-style: chr19-50289605-G-A. GRCh37 (hg19) VCF-style: chr19-50792862-G-A.
Other names: c.4823G>A, p.Arg1608His (NM_001077186.2); c.4799G>A, p.Arg1600His (NM_024729.4); c.4799G>A (NM_024729.3); c.4922G>A (NM_001145809.1); short protein forms R1600H, R1608H, R1641H.
Identifiers: ClinVar variation 1100341 (VCV001100341.17), dbSNP rs373651452, ClinGen allele CA9593635.
Genomic context (GRCh38, chr19:50,289,605, plus strand): 5'-TGCGTCTGGAGGTGACTGTGCAGGCTCTCAAGACTCAGCATGAGCGTGACCTGCAGGGCC[G>A]TGATGAGGCTGGTGAAGAGAGGCGGAGGCAGCTGGCCAAGCAGGTATTGTCACACAGAAG-3'
Protein context (NP_001139281.1, residues 1631-1651): KTQHERDLQG[Arg1641His]DEAGEERRRQ